The following is an entry in ClinVar:

NM_001367624.2(ZNF469):c.307del (p.Gln103fs)

Gene: ZNF469 (zinc finger protein 469; plus strand). Cytogenetic location: 16q24.2.
Variant type: Deletion.
Coding change: c.307del on transcript NM_001367624.2 (MANE Select); coding-DNA position 307, one base deleted (C; older notation c.307delC).
Protein change: p.Gln103fs; shifts the reading frame from glutamine 103.
Molecular consequence: frameshift variant.
Genome position (GRCh38, 1-based): chr16:88,427,777, C deleted. VCF-style (leftmost placement, unchanged base first): chr16-88427776-GC-G. GRCh37 (hg19) VCF-style: chr16-88494184-GC-G.
Other names: short protein forms Q103fs.
Identifiers: ClinVar variation 2035422 (VCV002035422.4), dbSNP rs2507570767, ClinGen allele CA2580092199.

ClinVar aggregate classification (germline): Pathogenic (1 of 4 stars; one submission).

Submission:

Labcorp Genetics (formerly Invitae), Labcorp
Classification: Pathogenic. Last evaluated: 2022-10-13. Review status: criteria provided, single submitter. Criteria: Invitae Variant Classification Sherloc (09022015). Collection method: clinical testing. Allele origin: germline.
Comment: For these reasons, this variant has been classified as Pathogenic. This variant has not been reported in the literature in individuals affected with ZNF469-related conditions. This variant is not present in population databases (gnomAD no frequency). This sequence change creates a premature translational stop signal (p.Gln103Argfs*243) in the ZNF469 gene. It is expected to result in an absent or disrupted protein product. Loss-of-function variants in ZNF469 are known to be pathogenic (PMID: 23642083, 23680354).

Literature cited by the submitters: PubMed 23642083; PubMed 23680354.